The following is an entry in ClinVar:

ClinVar aggregate classification (germline): Benign/Likely benign. Review status: criteria provided, multiple submitters, no conflicts (2 of 4 stars). 4 submissions from 4 submitters: Benign (1); Likely benign (2). 1 of the submissions does not count toward it. Last evaluated 2025-01-11.

Conditions:
HOXB13-related disorder. Also called: HOXB13-related disorders; HOXB13-related condition.
Hereditary cancer-predisposing syndrome. Also called: Hereditary neoplastic syndrome; Neoplastic Syndromes, Hereditary; Tumor predisposition; Hereditary Cancer Syndrome. Identifiers: Orphanet 140162, MedGen C0027672, MeSH D009386, MONDO:0015356.
Prostate cancer, hereditary, 9 (HPC9). Identifiers: Orphanet 1331, MedGen C1970250, MONDO:0012597, OMIM 610997.

Allele frequency attached by ClinVar (database versions not stated): gnomAD exomes 0.00001; ExAC 0.00002.

Submissions (4):

Labcorp Genetics (formerly Invitae), Labcorp
Classification: Likely benign. Last evaluated: 2025-01-11. Review status: criteria provided, single submitter. Criteria: Invitae Variant Classification Sherloc (09022015). Collection method: clinical testing. Allele origin: germline.

Myriad Genetics, Inc.
Classification: Benign for Prostate cancer, hereditary, 9. Last evaluated: 2024-10-31. Review status: criteria provided, single submitter. Criteria: Myriad Autosomal Dominant, Autosomal Recessive and X-Linked Classification Criteria (2023). Collection method: clinical testing. Allele origin: unknown.
Comment: This variant is considered benign. This variant is a silent/synonymous amino acid change and it is not expected to impact splicing.

Ambry Genetics
Classification: Likely benign for Hereditary cancer-predisposing syndrome. Last evaluated: 2022-03-29. Review status: criteria provided, single submitter. Criteria: Ambry Variant Classification Scheme 2023. Collection method: clinical testing. Allele origin: germline.

PreventionGenetics, part of Exact Sciences
Classification: Likely benign for HOXB13-related condition. Last evaluated: 2024-04-24. Review status: no assertion criteria provided. Collection method: clinical testing. Allele origin: germline. Not counted in ClinVar's aggregate classification.
Comment: This variant is classified as likely benign based on ACMG/AMP sequence variant interpretation guidelines (Richards et al. 2015 PMID: 25741868, with internal and published modifications).

NM_006361.6(HOXB13):c.802C>A (p.Arg268=)

Gene: HOXB13 (homeobox B13; minus strand). Cytogenetic location: 17q21.32.
Variant type: single nucleotide variant.
Coding change: c.802C>A on transcript NM_006361.6 (MANE Select); coding-DNA position 802, C replaced by A.
Protein change: p.Arg268=; no amino-acid change (arginine 268 retained).
Molecular consequence: synonymous variant.
Genome position (GRCh38, 1-based): chr17:48,726,843, G>T on the plus strand (C>A on the coding strand, the complement: HOXB13 is on the minus strand). VCF-style: chr17-48726843-G-T. GRCh37 (hg19) VCF-style: chr17-46804205-G-T.
Identifiers: ClinVar variation 940825 (VCV000940825.12), dbSNP rs768168209, ClinGen allele CA8633907.
Genomic context (GRCh38, chr17:48,726,843, plus strand): 5'-AGATCTCTTAAGGGGTAGCGCTGTTCTTCACCTTGGCGAGAACCTTCTTCTCTTTGACCC[G>T]GCGGTTCTGAAACCAGATGGTAATCTGGCGCTCCGAGAGGCTGGTGGCTGCCGAGATCTT-3'
Protein context (NP_006352.2, residues 258-278): RQITIWFQNR[Arg268=]VKEKKVLAKV